The following is an entry in ClinVar:

ClinVar aggregate classification (germline): Uncertain significance (1 of 4 stars; one submission).

gnomAD v4.1: 4 of 1,614,120 alleles (0.00025%); highest among the groups gnomAD compares: Non-Finnish European, 0.00034%; no homozygotes.

Submission:

GeneDx
Classification: Uncertain significance. Last evaluated: 2026-07-10. Review status: criteria provided, single submitter. Criteria: GeneDx Variant Classification Process June 2021. Collection method: clinical testing. Allele origin: germline.
Comment: Not observed at significant frequency in large population cohorts (gnomAD); In silico analysis suggests that this missense variant does not alter protein structure/function; Has not been previously published as pathogenic or benign to our knowledge

NM_001024383.2(NAV3):c.3641T>C (p.Leu1214Ser)

Gene: NAV3 (neuron navigator 3; plus strand). Cytogenetic location: 12q21.2.
Variant type: single nucleotide variant.
Coding change: c.3641T>C on transcript NM_001024383.2 (MANE Select); coding-DNA position 3641, T replaced by C.
Protein change: p.Leu1214Ser; replaces leucine 1214 with serine.
Molecular consequence: missense variant.
Genome position (GRCh38, 1-based): chr12:78,119,837, T>C. VCF-style: chr12-78119837-T-C. GRCh37 (hg19) VCF-style: chr12-78513617-T-C.
Other names: c.2141T>C, p.Leu714Ser (NM_001438019.1); c.3641T>C, p.Leu1214Ser (NM_014903.6); short protein forms L1214S, L714S.
Identifiers: ClinVar variation 4086613 (VCV004086613.2).